The following is an entry in ClinVar:

ClinVar aggregate classification (germline): Uncertain significance (1 of 4 stars; one submission).

Conditions:
Cohen syndrome (COH1). Also called: PEPPER SYNDROME; Cutis verticis gyrata, retinitis pigmentosa, and sensorineural deafness. Identifiers: Orphanet 193, MedGen C0265223, MONDO:0008999, OMIM 216550.

Allele frequency attached by ClinVar (database versions not stated): gnomAD 0.00001; gnomAD exomes 0.00001 and 0.00002; TOPMed 0.00001; ExAC 0.00002.
gnomAD v4.1: 21 of 1,613,692 alleles (0.0013%); highest among the groups gnomAD compares: Non-Finnish European, 0.0018%; no homozygotes.

Submission:

Labcorp Genetics (formerly Invitae), Labcorp
Classification: Uncertain significance for Cohen syndrome. Last evaluated: 2022-02-04. Review status: criteria provided, single submitter. Criteria: Invitae Variant Classification Sherloc (09022015). Collection method: clinical testing. Allele origin: germline.
Comment: This sequence change replaces proline, which is neutral and non-polar, with alanine, which is neutral and non-polar, at codon 2050 of the VPS13B protein (p.Pro2050Ala). This variant is present in population databases (rs779210102, gnomAD 0.004%). This variant has not been reported in the literature in individuals affected with VPS13B-related conditions. Algorithms developed to predict the effect of missense changes on protein structure and function are either unavailable or do not agree on the potential impact of this missense change (SIFT: "Not Available"; PolyPhen-2: "Possibly Damaging"; Align-GVGD: "Not Available"). In summary, the available evidence is currently insufficient to determine the role of this variant in disease. Therefore, it has been classified as a Variant of Uncertain Significance.

NM_152564.5(VPS13B):c.6073C>G (p.Pro2025Ala)

Gene: VPS13B (vacuolar protein sorting 13 homolog B; plus strand). Cytogenetic location: 8q22.2.
Variant type: single nucleotide variant.
Coding change: c.6073C>G on transcript NM_152564.5 (MANE Select); coding-DNA position 6073, C replaced by G.
Protein change: p.Pro2025Ala; replaces proline 2025 with alanine.
Molecular consequence: missense variant.
Genome position (GRCh38, 1-based): chr8:99,699,551, C>G. VCF-style: chr8-99699551-C-G. GRCh37 (hg19) VCF-style: chr8-100711779-C-G.
Other names: c.6148C>G, p.Pro2050Ala (NM_017890.5); short protein forms P2025A, P2050A.
Identifiers: ClinVar variation 1354907 (VCV001354907.5), dbSNP rs779210102, ClinGen allele CA4823940.